The following is an entry in ClinVar:

NM_001077418.3(TMEM231):c.544C>T (p.Gln182Ter)

Gene: TMEM231 (transmembrane protein 231; minus strand). Cytogenetic location: 16q23.1.
Variant type: single nucleotide variant.
Coding change: c.544C>T on transcript NM_001077418.3 (MANE Select); coding-DNA position 544, C replaced by T.
Protein change: p.Gln182Ter; replaces glutamine 182 with a stop codon.
Molecular consequence: nonsense. On other transcripts: non-coding transcript variant (1).
Genome position (GRCh38, 1-based): chr16:75,545,390, G>A on the plus strand (C>T on the coding strand, the complement: TMEM231 is on the minus strand). VCF-style: chr16-75545390-G-A. GRCh37 (hg19) VCF-style: chr16-75579288-G-A.
Other names: c.703C>T, p.Gln235Ter (NM_001077416.2); short protein forms Q182*, Q235*.
Identifiers: ClinVar variation 1802034 (VCV001802034.7), dbSNP rs760455133, ClinGen allele CA283887441.

ClinVar aggregate classification (germline): Pathogenic/Likely pathogenic. Review status: criteria provided, multiple submitters, no conflicts (2 of 4 stars). 5 submissions from 5 submitters: Pathogenic (4); Likely pathogenic (1). Last evaluated 2026-03-30.

Conditions:
TMEM231-related disorder. Also called: TMEM231-related condition.
Joubert syndrome 20 (JBTS20). Identifiers: Orphanet 475, MedGen C3554235, MONDO:0013994, OMIM 614970.
Meckel syndrome, type 11 (MKS11). Identifiers: Orphanet 564, MedGen C3809352, MONDO:0014164, OMIM 615397.

Allele frequency attached by ClinVar (database versions not stated): TOPMed 0.00001.
gnomAD v4.1: 22 of 1,612,374 alleles (0.0014%); highest among the groups gnomAD compares: Non-Finnish European, 0.0015%; no homozygotes.

Submissions (5):

PreventionGenetics, part of Exact Sciences
Classification: Pathogenic for TMEM231-related condition. Last evaluated: 2026-03-30. Review status: criteria provided, single submitter. Criteria: ACMG Guidelines, 2015. Collection method: clinical testing. Allele origin: germline.
Comment: The TMEM231 c.703C>T variant is predicted to result in premature protein termination (p.Gln235*). This variant has been reported in the compound heterozygous state in an individual with Meckel syndrome (reported as c.544C>T (p.Gln182*) using transcript NM_001077418, Roberson et al. 2015. PubMed ID: 25869670). This variant is absent in a large population database (gnomAD), indicating this variant is rare. Nonsense variants in TMEM231 are an established mechanism of disease. This variant is interpreted as pathogenic.

Blueprint Genetics
Classification: Likely pathogenic for TMEM231-related disorders. Last evaluated: 2024-06-17. Review status: criteria provided, single submitter. Criteria: ACMG Guidelines, 2015. Collection method: clinical testing. Allele origin: germline. Affected: yes. Observed: 2 variant alleles.

Fulgent Genetics
Classification: Pathogenic for Joubert syndrome 20; Meckel syndrome, type 11. Last evaluated: 2024-03-23. Review status: criteria provided, single submitter. Criteria: ACMG Guidelines, 2015. Collection method: clinical testing. Allele origin: germline.

Labcorp Genetics (formerly Invitae), Labcorp
Classification: Pathogenic for Joubert syndrome 20; Meckel syndrome, type 11. Last evaluated: 2022-12-12. Review status: criteria provided, single submitter. Criteria: Invitae Variant Classification Sherloc (09022015). Collection method: clinical testing. Allele origin: germline.
Comment: This variant is not present in population databases (gnomAD no frequency). For these reasons, this variant has been classified as Pathogenic. This variant has not been reported in the literature in individuals affected with TMEM231-related conditions. This sequence change creates a premature translational stop signal (p.Gln235*) in the TMEM231 gene. It is expected to result in an absent or disrupted protein product. Loss-of-function variants in TMEM231 are known to be pathogenic (PMID: 23012439, 23349226).

GeneDx
Classification: Pathogenic. Last evaluated: 2022-06-07. Review status: criteria provided, single submitter. Criteria: GeneDx Variant Classification Process June 2021. Collection method: clinical testing. Allele origin: germline. Affected: yes.
Comment: Nonsense variant predicted to result in protein truncation or nonsense mediated decay in a gene for which loss of function is a known mechanism of disease; Not observed at significant frequency in large population cohorts (gnomAD); This variant is associated with the following publications: (PMID: 25869670)

Literature cited by the submitters: PubMed 23012439 (cited by Labcorp Genetics (formerly Invitae), Labcorp); PubMed 23349226 (cited by Labcorp Genetics (formerly Invitae), Labcorp).